The following is an entry in ClinVar:

ClinVar aggregate classification (germline): Likely pathogenic (1 of 4 stars; one submission).

Conditions:
EXT1-related disorder. Also called: EXT1-related condition.

Submission:

PreventionGenetics, part of Exact Sciences
Classification: Likely pathogenic for EXT1-related condition. Last evaluated: 2025-05-29. Review status: criteria provided, single submitter. Criteria: ACMG Guidelines, 2015. Collection method: clinical testing. Allele origin: germline.
Comment: The EXT1 c.911G>A variant is predicted to result in premature protein termination (p.Trp304*). To our knowledge, this variant has not been reported in the literature or in a large population database (gnomAD), indicating this variant is rare. An alternate nucleotide change with the same predicted impact (c.912G>A, p.Trp304*) was reported in an individual with multiple osteochondromas. Nonsense variants in EXT1 are expected to be pathogenic. This variant is interpreted as likely pathogenic.

NM_000127.3(EXT1):c.911G>A (p.Trp304Ter)

Gene: EXT1 (exostosin glycosyltransferase 1; minus strand). Cytogenetic location: 8q24.11.
Variant type: single nucleotide variant.
Coding change: c.911G>A on transcript NM_000127.3 (MANE Select); coding-DNA position 911, G replaced by A.
Protein change: p.Trp304Ter; replaces tryptophan 304 with a stop codon.
Molecular consequence: nonsense.
Genome position (GRCh38, 1-based): chr8:118,110,136, C>T on the plus strand (G>A on the coding strand, the complement: EXT1 is on the minus strand). VCF-style: chr8-118110136-C-T. GRCh37 (hg19) VCF-style: chr8-119122375-C-T.
Other names: short protein forms W304*.
Identifiers: ClinVar variation 4999836 (VCV004999836.1).